The following is an entry in ClinVar:

ClinVar aggregate classification (germline): Uncertain significance (1 of 4 stars; one submission).

gnomAD v4.1: 4 of 1,575,362 alleles (0.00025%); highest among the groups gnomAD compares: Non-Finnish European, 0.00026%; no homozygotes.

Submission:

Ambry Genetics
Classification: Uncertain significance. Last evaluated: 2024-12-08. Review status: criteria provided, single submitter. Criteria: Ambry Variant Classification Scheme 2023. Collection method: clinical testing. Allele origin: germline.
Comment: The p.Q629L variant (also known as c.1886A>T), located in coding exon 8 of the WNK2 gene, results from an A to T substitution at nucleotide position 1886. The glutamine at codon 629 is replaced by leucine, an amino acid with dissimilar properties. This amino acid position is conserved. In addition, the in silico prediction for this alteration is inconclusive. Based on the available evidence, the clinical significance of this variant remains unclear.

NM_006648.4(WNK2):c.1886A>T (p.Gln629Leu)

Gene: WNK2 (WNK lysine deficient protein kinase 2; plus strand). Cytogenetic location: 9q22.31.
Variant type: single nucleotide variant.
Coding change: c.1886A>T on transcript NM_006648.4 (MANE Select); coding-DNA position 1886, A replaced by T.
Protein change: p.Gln629Leu; replaces glutamine 629 with leucine.
Molecular consequence: missense variant.
Genome position (GRCh38, 1-based): chr9:93,252,934, A>T. VCF-style: chr9-93252934-A-T. GRCh37 (hg19) VCF-style: chr9-96015216-A-T.
Other names: c.1886A>T, p.Gln629Leu (NM_001282394.3); short protein forms Q629L.
Identifiers: ClinVar variation 3470682 (VCV003470682.1).